The following is an entry in ClinVar:

ClinVar aggregate classification (germline): Uncertain significance. Review status: criteria provided, multiple submitters, no conflicts (2 of 4 stars). 3 submissions from 3 submitters: Uncertain significance (3). Last evaluated 2025-12-01.

Conditions:
Hereditary cancer-predisposing syndrome. Also called: Neoplastic Syndromes, Hereditary; Hereditary Cancer Syndrome; Hereditary neoplastic syndrome; Tumor predisposition. Identifiers: Orphanet 140162, MedGen C0027672, MeSH D009386, MONDO:0015356.
Cardiovascular phenotype. Identifiers: MedGen CN230736.
Juvenile myelomonocytic leukemia (JMML). Also called: LEUKEMIA, JUVENILE MYELOMONOCYTIC, SOMATIC. Identifiers: Orphanet 86834, MedGen C0349639, MONDO:0011908, OMIM 607785, HP:0012209.
Café-au-lait macules with pulmonary stenosis (WTSN). Also called: PULMONIC STENOSIS WITH CAFE-AU-LAIT SPOTS. Identifiers: MedGen C0553586, MONDO:0008672, OMIM 193520.
Neurofibromatosis-Noonan syndrome (NFNS). Also called: NEUROFIBROMATOSIS WITH NOONAN PHENOTYPE. Identifiers: Orphanet 638, MedGen C2931482, MONDO:0011035, OMIM 601321. Disease mechanism: loss of function.
Neurofibromatosis, familial spinal (FSNF). Identifiers: Orphanet 636, MedGen C1834235, MONDO:0008078, OMIM 162210. Disease mechanism: loss of function.
Neurofibromatosis, type 1 (NF1). Also called: NEUROFIBROMATOSIS, TYPE I, SOMATIC; VON RECKLINGHAUSEN DISEASE; Neurofibromatosis, type I; Peripheral type neurofibromatosis. Identifiers: Orphanet 636, MedGen C0027831, MONDO:0018975, OMIM 162200. Disease mechanism: loss of function.

Allele frequency attached by ClinVar (database versions not stated): ExAC 0.00001.
gnomAD v4.1: 1 of 1,613,820 alleles (0.000062%); highest among the groups gnomAD compares: Non-Finnish European, 0.000085%; no homozygotes.

Submissions (3):

Ambry Genetics
Classification: Uncertain significance for Cardiovascular phenotype; Hereditary cancer-predisposing syndrome. Last evaluated: 2025-12-01. Review status: criteria provided, single submitter. Criteria: Ambry Variant Classification Scheme 2023. Collection method: clinical testing. Allele origin: germline.
Comment: The p.F2629C variant (also known as c.7886T>G), located in coding exon 53 of the NF1 gene, results from a T to G substitution at nucleotide position 7886. The phenylalanine at codon 2629 is replaced by cysteine, an amino acid with highly dissimilar properties. This amino acid position is conserved. In addition, this alteration is predicted to be deleterious by in silico analysis. Since supporting evidence is limited at this time, the clinical significance of this alteration remains unclear.

Labcorp Genetics (formerly Invitae), Labcorp
Classification: Uncertain significance for Neurofibromatosis, type 1. Last evaluated: 2025-06-04. Review status: criteria provided, single submitter. Criteria: Invitae Variant Classification Sherloc (09022015). Collection method: clinical testing. Allele origin: germline.
Comment: This sequence change replaces phenylalanine, which is neutral and non-polar, with cysteine, which is neutral and slightly polar, at codon 2629 of the NF1 protein (p.Phe2629Cys). This variant is present in population databases (rs754443238, gnomAD 0.007%). This variant has not been reported in the literature in individuals affected with NF1-related conditions. ClinVar contains an entry for this variant (Variation ID: 641323). Invitae Evidence Modeling of protein sequence and biophysical properties (such as structural, functional, and spatial information, amino acid conservation, physicochemical variation, residue mobility, and thermodynamic stability) indicates that this missense variant is expected to disrupt NF1 protein function with a positive predictive value of 95%. In summary, the available evidence is currently insufficient to determine the role of this variant in disease. Therefore, it has been classified as a Variant of Uncertain Significance.

Fulgent Genetics
Classification: Uncertain significance for Neurofibromatosis, type 1; Neurofibromatosis, familial spinal; Café-au-lait macules with pulmonary stenosis; Neurofibromatosis-Noonan syndrome; Juvenile myelomonocytic leukemia. Last evaluated: 2024-05-17. Review status: criteria provided, single submitter. Criteria: ACMG Guidelines, 2015. Collection method: clinical testing. Allele origin: germline.

NM_001042492.3(NF1):c.7949T>G (p.Phe2650Cys)

Gene: NF1 (neurofibromin 1; plus strand). Cytogenetic location: 17q11.2.
Variant type: single nucleotide variant.
Coding change: c.7949T>G on transcript NM_001042492.3 (MANE Select); coding-DNA position 7949, T replaced by G.
Protein change: p.Phe2650Cys; replaces phenylalanine 2650 with cysteine.
Molecular consequence: missense variant.
Genome position (GRCh38, 1-based): chr17:31,357,348, T>G. VCF-style: chr17-31357348-T-G. GRCh37 (hg19) VCF-style: chr17-29684366-T-G.
Other names: c.7886T>G, p.Phe2629Cys (NM_000267.4); short protein forms F2650C, F2629C.
Identifiers: ClinVar variation 641323 (VCV000641323.9), dbSNP rs754443238, ClinGen allele CA8487693.